The following is an entry in ClinVar:

ClinVar aggregate classification (germline): Pathogenic/Likely pathogenic. Review status: criteria provided, multiple submitters, no conflicts (2 of 4 stars). 3 submissions from 3 submitters: Pathogenic (1); Likely pathogenic (2). Last evaluated 2025-12-21.

Conditions:
Acyl-CoA dehydrogenase 9 deficiency. Also called: Acyl-CoA dehydrogenase family, member 9, deficiency of; MITOCHONDRIAL COMPLEX I DEFICIENCY, NUCLEAR TYPE 20. Identifiers: Orphanet 99901, MedGen C4747517, MONDO:0012624, OMIM 611126.

Allele frequency attached by ClinVar (database versions not stated): gnomAD exomes below 0.00001 and 0.00001; TOPMed below 0.00001; gnomAD 0.00001.
gnomAD v4.1: 7 of 1,613,984 alleles (0.00043%); highest among the groups gnomAD compares: African/African-American, 0.0013%; no homozygotes.

Submissions (3):

Labcorp Genetics (formerly Invitae), Labcorp
Classification: Pathogenic. Last evaluated: 2025-12-21. Review status: criteria provided, single submitter. Criteria: Invitae Variant Classification Sherloc (09022015). Collection method: clinical testing. Allele origin: germline.
Comment: This sequence change creates a premature translational stop signal (p.Arg609*) in the ACAD9 gene. While this is not anticipated to result in nonsense mediated decay, it is expected to disrupt the last 13 amino acid(s) of the ACAD9 protein. This variant is present in population databases (rs778786636, gnomAD 0.004%). This variant has not been reported in the literature in individuals affected with ACAD9-related conditions. ClinVar contains an entry for this variant (Variation ID: 453125). Algorithms developed to predict the effect of sequence changes on RNA splicing suggest that this variant may create or strengthen a splice site. This variant disrupts a region of the ACAD9 protein in which other variant(s) (p.Pro616Ser) have been determined to be pathogenic (PMID: 25326637, 30831263). This suggests that this is a clinically significant region of the protein, and that variants that disrupt it are likely to be disease-causing. For these reasons, this variant has been classified as Pathogenic.

Natera, Inc.
Classification: Likely pathogenic for ACAD9 deficiency. Last evaluated: 2024-11-13. Review status: criteria provided, single submitter. Criteria: Natera Variant Classification Schema (03/2026). Collection method: clinical testing. Allele origin: germline.
Comment: The c.1825C>T variant in ACAD9 is a nonsense variant predicted to introduce a stop codon at amino acid 609. This variant is expected to result in nonsense mediated decay, truncation, or a dysfunctional protein product. This variant is rare in the general population with a frequency below the threshold expected for the associated phenotype(s). Given the available evidence, this variant is classified as Likely Pathogenic.

GeneDx
Classification: Likely pathogenic. Last evaluated: 2017-10-24. Review status: criteria provided, single submitter. Criteria: GeneDx Variant Classification (06012015). Collection method: clinical testing. Allele origin: germline. Affected: yes.
Comment: The R609X variant in the ACAD9 gene has not been reported previously as a pathogenic variant nor as a benign variant, to our knowledge. This variant is predicted to cause loss of normal protein function either through protein truncation or nonsense-mediated mRNA decay. The R609X variant is not observed at a significant frequency in large population cohorts (Lek et al., 2016). We interpret R609X as a likely pathogenic variant.

Literature cited by the submitters: PubMed 25326637 (cited by Labcorp Genetics (formerly Invitae), Labcorp); PubMed 30831263 (cited by Labcorp Genetics (formerly Invitae), Labcorp).

NM_014049.5(ACAD9):c.1825C>T (p.Arg609Ter)

Genes: ACAD9 (acyl-CoA dehydrogenase family member 9; plus strand), CFAP92 (cilia and flagella associated protein 92 (putative); minus strand). Cytogenetic location: 3q21.3.
Variant type: single nucleotide variant.
Coding change: c.1825C>T on transcript NM_014049.5 (MANE Select); coding-DNA position 1825, C replaced by T.
Protein change: p.Arg609Ter; replaces arginine 609 with a stop codon.
Molecular consequence: nonsense. On other transcripts: non-coding transcript variant (1), intron variant (3).
Genome position (GRCh38, 1-based): chr3:128,912,566, C>T. VCF-style: chr3-128912566-C-T. GRCh37 (hg19) VCF-style: chr3-128631409-C-T.
Other names: c.1456C>T, p.Arg486Ter (NM_001410805.1); c.2312-2233G>A (NM_001348521.2); c.2408-2233G>A (NM_001348520.2); c.3281-2233G>A (NM_001394090.1); short protein forms R609*, R486*.
Identifiers: ClinVar variation 453125 (VCV000453125.9), dbSNP rs778786636, ClinGen allele CA2601726.
Genomic context (GRCh38, chr3:128,912,566, plus strand): 5'-GATGCTCCAGAAAACCTAGATGAGCAGATTAAGAAAGTGTCCCAGCAGATCCTTGAGAAG[C>T]GAGCCTATATCTGTGCCCACCCTCTGGACAGGACATGCTGAGGCAGGGGACAGTGTCCCC-3'